The following is an entry in ClinVar:

NM_033028.5(BBS4):c.1414A>G (p.Met472Val)

Gene: BBS4 (Bardet-Biedl syndrome 4; plus strand). Cytogenetic location: 15q24.1.
Variant type: single nucleotide variant.
Coding change: c.1414A>G on transcript NM_033028.5 (MANE Select); coding-DNA position 1414, A replaced by G.
Protein change: p.Met472Val; replaces methionine 472 with valine.
Molecular consequence: missense variant. On other transcripts: non-coding transcript variant (2).
Genome position (GRCh38, 1-based): chr15:72,736,927, A>G. VCF-style: chr15-72736927-A-G. GRCh37 (hg19) VCF-style: chr15-73029268-A-G.
Other names: c.898A>G, p.Met300Val (NM_001252678.2); c.1345A>G, p.Met449Val (NM_001320665.2); short protein forms M472V, M300V, M449V.
Identifiers: ClinVar variation 143161 (VCV000143161.22), dbSNP rs2277596, ClinGen allele CA232857.

ClinVar aggregate classification (germline): Conflicting classifications of pathogenicity. Review status: criteria provided, conflicting classifications (1 of 4 stars). 9 submissions from 9 submitters: Uncertain significance (2); Benign (2); Likely benign (3). 2 of the submissions do not count toward it. Last evaluated 2026-01-26.

Conditions:
Bardet-Biedl syndrome (BBS). Identifiers: Orphanet 110, MedGen C0752166, MONDO:0015229.
Bardet-Biedl syndrome 4 (BBS4). Identifiers: Orphanet 110, MedGen C2936864, MONDO:0014433, OMIM 615982.

Allele frequency attached by ClinVar (database versions not stated): gnomAD 0.00034; TOPMed 0.00053; 1000 Genomes Project 0.00140; 1000 Genomes Project 30x 0.00172.
gnomAD v4.1: 652 of 1,614,200 alleles (0.04%); highest among the groups gnomAD compares: East Asian, 0.99%; 2 homozygotes.

Submissions (9):

Labcorp Genetics (formerly Invitae), Labcorp
Classification: Likely benign for Bardet-Biedl syndrome. Last evaluated: 2026-01-26. Review status: criteria provided, single submitter. Criteria: Invitae Variant Classification Sherloc (09022015). Collection method: clinical testing. Allele origin: germline.

Blueprint Genetics
Classification: Benign. Last evaluated: 2024-10-09. Review status: criteria provided, single submitter. Criteria: ACMG Guidelines, 2015. Collection method: clinical testing. Allele origin: germline.

Women's Health and Genetics/Laboratory Corporation of America, LabCorp
Classification: Likely benign. Last evaluated: 2024-07-30. Review status: criteria provided, single submitter. Criteria: LabCorp Variant Classification Summary - May 2015. Collection method: clinical testing. Allele origin: germline.
Comment: Variant summary: BBS4 c.1414A>G (p.Met472Val) results in a conservative amino acid change in the encoded protein sequence. Three of five in-silico tools predict a benign effect of the variant on protein function. The variant allele was found at a frequency of 0.00067 in 251306 control chromosomes, predominantly at a frequency of 0.0079 within the East Asian subpopulation in the gnomAD database. The observed variant frequency within East Asian control individuals in the gnomAD database is approximately 11.4 fold of the estimated maximal expected allele frequency for a pathogenic variant in BBS4 causing Bardet-Biedl Syndrome phenotype (0.00069). Although c.1414A>G has been reported in the literature, no penetrant association of this variant has been reported in individuals affected with Bardet-Biedl Syndrome (example, Beales_2003). These report(s) do not provide unequivocal conclusions about association of the variant with Bardet-Biedl Syndrome. To our knowledge, no experimental evidence demonstrating an impact on protein function has been reported. The following publication has been ascertained in the context of this evaluation (PMID: 12677556). ClinVar contains an entry for this variant (Variation ID: 143161). Based on the evidence outlined above, the variant was classified as likely benign.

GeneDx
Classification: Uncertain significance. Last evaluated: 2019-10-11. Review status: criteria provided, single submitter. Criteria: GeneDx Variant Classification Process June 2021. Collection method: clinical testing. Allele origin: germline. Affected: yes.
Comment: Published functional studies demonstrate a damaging effect, as a zebrafish embryo assay suggests a null mutation (Zaghloul et al., 2010); In silico analysis, which includes protein predictors and evolutionary conservation, supports that this variant does not alter protein structure/function; Observed in two individuals with nephronophthisis-related ciliopathy, however no second BBS4 variant was identified (Kang et al., 2016); Observed in mother and daughter with Bardet-Biedl syndrome who were both also homozygous for a variant in the BBS1 gene (Beales et al., 2003); This variant is associated with the following publications: (PMID: 15224652, 20498079, 12677556, 26260382, 27491411, 23142271, 12872256)

Mendelics
Classification: Benign for Bardet-Biedl syndrome 4. Last evaluated: 2019-05-28. Review status: criteria provided, single submitter. Criteria: Mendelics Assertion Criteria 2017. Collection method: clinical testing. Allele origin: unknown.

Illumina Laboratory Services, Illumina
Classification: Uncertain significance for Bardet-Biedl syndrome 4. Last evaluated: 2017-04-27. Review status: criteria provided, single submitter. Criteria: ICSL Variant Classification Criteria 13 December 2019. Collection method: clinical testing. Allele origin: germline.

PreventionGenetics, part of Exact Sciences
Classification: Likely benign. Review status: criteria provided, single submitter. Criteria: ACMG Guidelines, 2015. Collection method: clinical testing. Allele origin: germline.

Department of Ophthalmology and Visual Sciences Kyoto University
Classification: Likely benign. Review status: no assertion criteria provided. Collection method: not provided. Allele origin: unknown. Not counted in ClinVar's aggregate classification.
ClinVar note: Converted during submission from probable-non-pathogenic to Likely benign.

Soonchunhyang University Bucheon Hospital, Soonchunhyang University Medical Center
Classification: Likely pathogenic for Bardet-Biedl syndrome 4. Last evaluated: 2016-03-18. Review status: flagged submission. Criteria: ACMG Guidelines, 2015. Collection method: reference population. Allele origin: germline. Observed: 1 variant allele. Not counted in ClinVar's aggregate classification.
ClinVar note: Reason: Outlier claim with insufficient supporting evidence

Literature cited by the submitters: PubMed 12677556 (cited by Women's Health and Genetics/Laboratory Corporation of America, LabCorp); PubMed 12872256 (cited by Soonchunhyang University Bucheon Hospital, Soonchunhyang University Medical Center); PubMed 20498079 (cited by Soonchunhyang University Bucheon Hospital, Soonchunhyang University Medical Center).